The following is an entry in ClinVar:

NM_001367823.1(ARHGEF18):c.3899C>T (p.Pro1300Leu)

Gene: ARHGEF18 (Rho/Rac guanine nucleotide exchange factor 18; plus strand). Cytogenetic location: 19p13.2.
Variant type: single nucleotide variant.
Coding change: c.3899C>T on transcript NM_001367823.1 (MANE Select); coding-DNA position 3899, C replaced by T.
Protein change: p.Pro1300Leu; replaces proline 1300 with leucine.
Molecular consequence: missense variant.
Genome position (GRCh38, 1-based): chr19:7,470,015, C>T. VCF-style: chr19-7470015-C-T. GRCh37 (hg19) VCF-style: chr19-7534901-C-T.
Other names: c.3173C>T, p.Pro1058Leu (NM_001130955.2); c.2861C>T, p.Pro954Leu (NM_001367824.1, NM_015318.4); short protein forms P1300L, P1058L, P954L.
Identifiers: ClinVar variation 2786382 (VCV002786382.3), dbSNP rs765250015, ClinGen allele CA9137278.

ClinVar aggregate classification (germline): Uncertain significance (1 of 4 stars; one submission).

Allele frequency attached by ClinVar (database versions not stated): gnomAD exomes 0.00001; ExAC 0.00002.
gnomAD v4.1: 5 of 1,613,046 alleles (0.00031%); highest among the groups gnomAD compares: Non-Finnish European, 0.000085%; no homozygotes.

Submission:

Labcorp Genetics (formerly Invitae), Labcorp
Classification: Uncertain significance. Last evaluated: 2023-11-13. Review status: criteria provided, single submitter. Criteria: Invitae Variant Classification Sherloc (09022015). Collection method: clinical testing. Allele origin: germline.
Comment: This sequence change replaces proline, which is neutral and non-polar, with leucine, which is neutral and non-polar, at codon 1112 of the ARHGEF18 protein (p.Pro1112Leu). This variant is present in population databases (rs765250015, gnomAD 0.02%). This variant has not been reported in the literature in individuals affected with ARHGEF18-related conditions. An algorithm developed to predict the effect of missense changes on protein structure and function (PolyPhen-2) suggests that this variant is likely to be tolerated. In summary, the available evidence is currently insufficient to determine the role of this variant in disease. Therefore, it has been classified as a Variant of Uncertain Significance.